The following is an entry in ClinVar:

NM_001009944.3(PKD1):c.7804C>T (p.Gln2602Ter)

Gene: PKD1 (polycystin 1, transient receptor potential channel interacting; minus strand). Cytogenetic location: 16p13.3.
Variant type: single nucleotide variant.
Coding change: c.7804C>T on transcript NM_001009944.3 (MANE Select); coding-DNA position 7804, C replaced by T.
Protein change: p.Gln2602Ter; replaces glutamine 2602 with a stop codon.
Molecular consequence: nonsense.
Genome position (GRCh38, 1-based): chr16:2,105,924, G>A on the plus strand (C>T on the coding strand, the complement: PKD1 is on the minus strand). VCF-style: chr16-2105924-G-A. GRCh37 (hg19) VCF-style: chr16-2155925-G-A.
Other names: c.7804C>T (NM_001009944.2); c.7804C>T, p.Gln2602Ter (NM_000296.4); short protein forms Q2602*.
Identifiers: ClinVar variation 997261 (VCV000997261.3), dbSNP rs2092321430, ClinGen allele CA394367816.

ClinVar aggregate classification (germline): Pathogenic. Review status: criteria provided, single submitter (1 of 4 stars). 2 submissions from 2 submitters: Pathogenic (1). 1 of the submissions does not count toward it.

Conditions:
Polycystic kidney disease, adult type (PKD1). Also called: POLYCYSTIC KIDNEY DISEASE, ADULT, TYPE I; Polycystic Kidney Disease 1, Autosomal Dominant; Polycystic kidney disease 1; Polycystic kidney disease 1, severe; Polycystic Kidney, Autosomal Dominant; POLYCYSTIC KIDNEY DISEASE 1 WITH OR WITHOUT POLYCYSTIC LIVER DISEASE. Identifiers: MedGen C3149841, MONDO:0008263, OMIM 173900.
Polycystic kidney disease. Also called: Polycystic kidney dysplasia; Kidney, Polycystic. Identifiers: MedGen C0022680, MeSH D007690, MONDO:0020642, HP:0000113.

Submissions (2):

Juno Genomics, Hangzhou Juno Genomics, Inc
Classification: Pathogenic for Polycystic kidney disease, adult type. Review status: criteria provided, single submitter. Criteria: ACMG Guidelines, 2015. Collection method: clinical testing. Allele origin: germline. Affected: yes.
Comment: Absent from controls (or at extremely low frequency if recessive) in Genome Aggregation Database, Exome Sequencing Project, 1000 Genomes Project, or Exome Aggregation Consortium.;Null variant in a gene where loss of function (LOF) is a known mechanism of disease.

Department of Pathology and Laboratory Medicine, Sinai Health System
Classification: Pathogenic for Polycystic Kidney disease. Review status: no assertion criteria provided. Collection method: clinical testing. Allele origin: unknown. Affected: yes. Observed: 1 variant allele. Study: The Canadian Open Genetics Repository (COGR). Not counted in ClinVar's aggregate classification.
Comment: The PKD1 p.Gln2602X variant was identified in 1 of 460 proband chromosomes (frequency: 0.002) from individuals or families with ADPKD (Rossetti 2012). The variant was also identified in ADPKD Mutation Database 2X as definitely pathogenic. The variant was not identified in dbSNP, ClinVar, GeneInsight-COGR, LOVD 3.0, PKD1-LOVD, databases. In addition, the variant was not identified in the 1000 Genomes Project, the NHLBI GO Exome Sequencing Project or the Exome Aggregation Consortium (August 8th 2016) control databases. The p.Gln2602X variant leads to a premature stop codon at position 2602, which is predicted to lead to a truncated or absent protein and loss of function. Loss of function variants of the PKD1 gene are an established mechanism of disease in autosomal dominant polycystic kidney disease and is the type of variant expected to cause the disorder. In summary, based on the above information, this variant meets our laboratoryâ€šÃ„Ã´s criteria to be classified as pathogenic.